The following is an entry in ClinVar:

NM_032043.3(BRIP1):c.108A>C (p.Leu36Phe)

Gene: BRIP1 (BRCA1 interacting DNA helicase 1; minus strand). Cytogenetic location: 17q23.2.
Variant type: single nucleotide variant.
Coding change: c.108A>C on transcript NM_032043.3 (MANE Select); coding-DNA position 108, A replaced by C.
Protein change: p.Leu36Phe; replaces leucine 36 with phenylalanine.
Molecular consequence: missense variant.
Genome position (GRCh38, 1-based): chr17:61,859,893, T>G on the plus strand (A>C on the coding strand, the complement: BRIP1 is on the minus strand). VCF-style: chr17-61859893-T-G. GRCh37 (hg19) VCF-style: chr17-59937254-T-G.
Other names: short protein forms L36F.
Identifiers: ClinVar variation 231333 (VCV000231333.25), dbSNP rs774586397, ClinGen allele CA8690992.

ClinVar aggregate classification (germline): Uncertain significance. Review status: criteria provided, multiple submitters, no conflicts (2 of 4 stars). 6 submissions from 6 submitters: Uncertain significance (6). Last evaluated 2025-12-29.

Conditions:
Fanconi anemia complementation group J. Also called: BRIP1-Related Fanconi Anemia. Identifiers: Orphanet 84, MedGen C1836860, MONDO:0012187, OMIM 609054.
Familial cancer of breast. Also called: Hereditary breast cancer; hereditary breast carcinoma; BREAST CANCER, FAMILIAL. Identifiers: Orphanet 227535, MedGen C0346153, MONDO:0016419, OMIM 114480. Disease mechanism: loss of function.
Hereditary cancer-predisposing syndrome. Also called: Hereditary Cancer Syndrome; Neoplastic Syndromes, Hereditary; Tumor predisposition; Hereditary neoplastic syndrome. Identifiers: Orphanet 140162, MedGen C0027672, MeSH D009386, MONDO:0015356.

Allele frequency attached by ClinVar (database versions not stated): gnomAD below 0.00001 and 0.00001; gnomAD exomes 0.00003 and 0.00006; ExAC 0.00007.
gnomAD v4.1: 44 of 1,610,784 alleles (0.0027%); highest among the groups gnomAD compares: South Asian, 0.048%; no homozygotes.

Submissions (6):

Center for Genomic Medicine, Rigshospitalet, Copenhagen University Hospital
Classification: Uncertain significance. Last evaluated: 2025-12-29. Review status: criteria provided, single submitter. Criteria: ACMG Guidelines, 2015. Collection method: clinical testing. Allele origin: germline.

Labcorp Genetics (formerly Invitae), Labcorp
Classification: Uncertain significance for Familial cancer of breast; Fanconi anemia complementation group J. Last evaluated: 2025-09-16. Review status: criteria provided, single submitter. Criteria: Invitae Variant Classification Sherloc (09022015). Collection method: clinical testing. Allele origin: germline.
Comment: This sequence change replaces leucine, which is neutral and non-polar, with phenylalanine, which is neutral and non-polar, at codon 36 of the BRIP1 protein (p.Leu36Phe). This variant is present in population databases (rs774586397, gnomAD 0.06%). This missense change has been observed in individual(s) with breast cancer (PMID: 36200007). ClinVar contains an entry for this variant (Variation ID: 231333). Invitae Evidence Modeling of protein sequence and biophysical properties (such as structural, functional, and spatial information, amino acid conservation, physicochemical variation, residue mobility, and thermodynamic stability) has been performed for this missense variant. However, the output from this modeling did not meet the statistical confidence thresholds required to predict the impact of this variant on BRIP1 protein function. In summary, the available evidence is currently insufficient to determine the role of this variant in disease. Therefore, it has been classified as a Variant of Uncertain Significance.

Baylor Genetics
Classification: Uncertain significance for Familial cancer of breast. Last evaluated: 2023-11-29. Review status: criteria provided, single submitter. Criteria: ACMG Guidelines, 2015. Collection method: clinical testing. Allele origin: unknown.

Color Diagnostics, LLC DBA Color Health
Classification: Uncertain significance for Hereditary cancer-predisposing syndrome. Last evaluated: 2023-04-24. Review status: criteria provided, single submitter. Criteria: ACMG Guidelines, 2015. Collection method: clinical testing. Allele origin: germline.
Comment: This missense variant replaces leucine with phenylalanine at codon 36 of the BRIP1 protein. Computational prediction suggests that this variant may not impact protein structure and function (internally defined REVEL score threshold <= 0.5, PMID: 27666373). To our knowledge, functional studies have not been reported for this variant. This variant has been reported in an individual affected with breast cancer (PMID: 36200007). This variant has been identified in 14/251380 chromosomes in the general population by the Genome Aggregation Database (gnomAD). The available evidence is insufficient to determine the role of this variant in disease conclusively. Therefore, this variant is classified as a Variant of Uncertain Significance.

Ambry Genetics
Classification: Uncertain significance for Hereditary cancer-predisposing syndrome. Last evaluated: 2022-12-07. Review status: criteria provided, single submitter. Criteria: Ambry Variant Classification Scheme 2023. Collection method: clinical testing. Allele origin: germline.
Comment: The p.L36F variant (also known as c.108A>C), located in coding exon 2 of the BRIP1 gene, results from an A to C substitution at nucleotide position 108. The leucine at codon 36 is replaced by phenylalanine, an amino acid with highly similar properties. This alteration has been identified in individuals diagnosed with breast cancer (Voso MT et al. Blood Cancer J, 2015 Jul;5:e323; Mittal A et al. Ecancermedicalscience, 2022 Aug;16:1434). This amino acid position is highly conserved in available vertebrate species. In addition, the in silico prediction for this alteration is inconclusive. Since supporting evidence is limited at this time, the clinical significance of this alteration remains unclear.

GeneDx
Classification: Uncertain significance. Last evaluated: 2021-12-23. Review status: criteria provided, single submitter. Criteria: GeneDx Variant Classification Process June 2021. Collection method: clinical testing. Allele origin: germline. Affected: yes.
Comment: In silico analysis supports that this missense variant has a deleterious effect on protein structure/function; Has not been previously published as pathogenic or benign to our knowledge

Literature cited by the submitters: PubMed 36200007 (cited by 3 submitters); PubMed 26140431 (cited by Ambry Genetics).